The following is an entry in ClinVar:

ClinVar aggregate classification (germline): Uncertain significance (1 of 4 stars; one submission).

Conditions:
Macular dystrophy with central cone involvement (CCMD). Identifiers: MedGen C4015371, MONDO:0014515, OMIM 616170.
Neuronal ceroid lipofuscinosis 7 (CLN7). Also called: MFSD8-Related Neuronal Ceroid-Lipofuscinosis. Identifiers: Orphanet 168491, Orphanet 228366, MedGen C1838571, MONDO:0012588, OMIM 610951.

Submission:

Juno Genomics, Hangzhou Juno Genomics, Inc
Classification: Uncertain significance for Neuronal ceroid lipofuscinosis 7; Macular dystrophy with central cone involvement. Review status: criteria provided, single submitter. Criteria: ACMG Guidelines, 2015. Collection method: clinical testing. Allele origin: germline.
Comment: Absent from controls (or at extremely low frequency if recessive) in Genome Aggregation Database.;Multiple lines of computational evidence support a deleterious effect on the gene or gene product.

NM_001371596.2(MFSD8):c.553G>A (p.Val185Ile)

Gene: MFSD8 (major facilitator superfamily domain containing 8; minus strand). Cytogenetic location: 4q28.2.
Variant type: single nucleotide variant.
Coding change: c.553G>A on transcript NM_001371596.2 (MANE Select); coding-DNA position 553, G replaced by A.
Protein change: p.Val185Ile; replaces valine 185 with isoleucine.
Molecular consequence: missense variant. On other transcripts: intron variant (4).
Genome position (GRCh38, 1-based): chr4:127,942,045, C>T on the plus strand (G>A on the coding strand, the complement: MFSD8 is on the minus strand). VCF-style: chr4-127942045-C-T. GRCh37 (hg19) VCF-style: chr4-128863200-C-T.
Other names: c.553G>A, p.Ala185Thr (NM_001363520.3); c.418G>A, p.Val140Ile (NM_001371590.2); c.553G>A, p.Val185Ile (NM_001371591.2, NM_001437269.1, NM_152778.4); c.553G>A, p.Gly185Ser (NM_001371592.2); c.553G>A, p.Glu185Lys (NM_001371594.2); c.418G>A, p.Glu140Lys (NM_001371595.1); c.304+1707G>A (NM_001410765.1); c.439+1707G>A (NM_001363521.3, NM_001410766.1, NM_001371593.2); short protein forms A185T, E140K, E185K, G185S, V140I, V185I.
Identifiers: ClinVar variation 5018968 (VCV005018968.2).
Genomic context (GRCh38, chr4:127,942,045, plus strand): 5'-TTTAAGCCTCAAAAGTTTTCCCAATTCAAATTCAAGTAATGACATGTGAAGAACACCTAC[C>T]TGGACCTAGAATAAAACCTAATGCTTGACACATGCTTATGTTTGCCATGGAACTTGTTCT-3'
Protein context (NP_001358525.1, residues 175-195): CQALGFILGP[Val185Ile]FQTCFTFLGE